The following is an entry in ClinVar:

NM_020919.4(ALS2):c.3443C>T (p.Pro1148Leu)

Gene: ALS2 (alsin Rho guanine nucleotide exchange factor ALS2; minus strand). Cytogenetic location: 2q33.1.
Variant type: single nucleotide variant.
Coding change: c.3443C>T on transcript NM_020919.4 (MANE Select); coding-DNA position 3443, C replaced by T.
Protein change: p.Pro1148Leu; replaces proline 1148 with leucine.
Molecular consequence: missense variant.
Genome position (GRCh38, 1-based): chr2:201,724,364, G>A on the plus strand (C>T on the coding strand, the complement: ALS2 is on the minus strand). VCF-style: chr2-201724364-G-A. GRCh37 (hg19) VCF-style: chr2-202589087-G-A.
Other names: c.3443C>T, p.Pro1148Leu (NM_001410975.1); short protein forms P1148L.
Identifiers: ClinVar variation 3702973 (VCV003702973.2).
Genomic context (GRCh38, chr2:201,724,364, plus strand): 5'-TCATCAAAGACACCATATCCTGCTTTCTTATCCATTACCCACTGGCCAATGAACATACTA[G>A]GAGAAGAGGACGTCAATTTCCCACTTCGTAGAAGACCATGACCATGACGCATATTATCTT-3'
Protein context (NP_065970.2, residues 1138-1158): LRSGKLTSSS[Pro1148Leu]SMFIGQWVMD

ClinVar aggregate classification (germline): Uncertain significance (1 of 4 stars; one submission).

Conditions:
Infantile-onset ascending hereditary spastic paralysis (IAHSP). Also called: Autosomal Recessive Juvenile Amyotrophic Lateral Sclerosis; Infantile-Onset Ascending Hereditary Spastic Paralysis (IAHSP). Identifiers: Orphanet 293168, MedGen C2931441, MONDO:0011797, OMIM 607225. Disease mechanism: loss of function.

gnomAD v4.1: 1 of 1,613,834 alleles (0.000062%); highest among the groups gnomAD compares: Non-Finnish European, 0.000085%; no homozygotes.

Submission:

Labcorp Genetics (formerly Invitae), Labcorp
Classification: Uncertain significance for Infantile-onset ascending hereditary spastic paralysis. Last evaluated: 2024-05-27. Review status: criteria provided, single submitter. Criteria: Invitae Variant Classification Sherloc (09022015). Collection method: clinical testing. Allele origin: germline.
Comment: This sequence change replaces proline, which is neutral and non-polar, with leucine, which is neutral and non-polar, at codon 1148 of the ALS2 protein (p.Pro1148Leu). This variant is present in population databases (no rsID available, gnomAD 0.0009%). This variant has not been reported in the literature in individuals affected with ALS2-related conditions. Advanced modeling of protein sequence and biophysical properties (such as structural, functional, and spatial information, amino acid conservation, physicochemical variation, residue mobility, and thermodynamic stability) performed at Invitae indicates that this missense variant is not expected to disrupt ALS2 protein function with a negative predictive value of 80%. In summary, the available evidence is currently insufficient to determine the role of this variant in disease. Therefore, it has been classified as a Variant of Uncertain Significance.